The following is an entry in ClinVar:

NM_000642.3(AGL):c.919A>T (p.Asn307Tyr)

Gene: AGL (amylo-alpha-1,6-glucosidase and 4-alpha-glucanotransferase; plus strand). Cytogenetic location: 1p21.2.
Variant type: single nucleotide variant.
Coding change: c.919A>T on transcript NM_000642.3 (MANE Select); coding-DNA position 919, A replaced by T.
Protein change: p.Asn307Tyr; replaces asparagine 307 with tyrosine.
Molecular consequence: missense variant.
Genome position (GRCh38, 1-based): chr1:99,870,830, A>T. VCF-style: chr1-99870830-A-T. GRCh37 (hg19) VCF-style: chr1-100336386-A-T.
Other names: c.919A>T (NM_000642.2); c.919A>T, p.Asn307Tyr (NM_000028.3, NM_000643.3, NM_000644.3 and 3 more transcripts); c.871A>T, p.Asn291Tyr (NM_000646.3); c.715A>T, p.Asn239Tyr (NM_001425328.1, NM_001425329.1); c.541A>T, p.Asn181Tyr (NM_001425332.1); short protein forms N291Y, N307Y, N181Y, N239Y.
Identifiers: ClinVar variation 1000060 (VCV001000060.8), dbSNP rs774810929, ClinGen allele CA966311.

ClinVar aggregate classification (germline): Uncertain significance. Review status: criteria provided, multiple submitters, no conflicts (2 of 4 stars). 2 submissions from 2 submitters: Uncertain significance (2). Last evaluated 2025-11-05.

Conditions:
Inborn genetic diseases. Identifiers: MedGen C0950123, MeSH D030342.
Glycogen storage disease type III (GSD3). Also called: FORBES DISEASE; Cori disease. Identifiers: Orphanet 366, MedGen C0017922, MONDO:0009291, OMIM 232400.

Allele frequency attached by ClinVar (database versions not stated): gnomAD exomes below 0.00001 and 0.00001; TOPMed below 0.00001; ExAC 0.00001.

Submissions (2):

Ambry Genetics
Classification: Uncertain significance for Inborn genetic diseases. Last evaluated: 2025-11-05. Review status: criteria provided, single submitter. Criteria: Ambry Variant Classification Scheme 2023. Collection method: clinical testing. Allele origin: germline.

Labcorp Genetics (formerly Invitae), Labcorp
Classification: Uncertain significance for Glycogen storage disease type III. Last evaluated: 2022-07-09. Review status: criteria provided, single submitter. Criteria: Invitae Variant Classification Sherloc (09022015). Collection method: clinical testing. Allele origin: germline.
Comment: This sequence change replaces asparagine, which is neutral and polar, with tyrosine, which is neutral and polar, at codon 307 of the AGL protein (p.Asn307Tyr). This variant is present in population databases (rs774810929, gnomAD 0.007%). This variant has not been reported in the literature in individuals affected with AGL-related conditions. ClinVar contains an entry for this variant (Variation ID: 1000060). Algorithms developed to predict the effect of missense changes on protein structure and function output the following: SIFT: "Tolerated"; PolyPhen-2: "Benign"; Align-GVGD: "Class C0". The tyrosine amino acid residue is found in multiple mammalian species, which suggests that this missense change does not adversely affect protein function. In summary, the available evidence is currently insufficient to determine the role of this variant in disease. Therefore, it has been classified as a Variant of Uncertain Significance.